The following is an entry in ClinVar:

ClinVar aggregate classification (germline): Likely benign (0 of 4 stars; one submission).

Conditions:
PNPLA5-related disorder. Also called: PNPLA5-related condition.

Allele frequency attached by ClinVar (database versions not stated): ExAC 0.00007.
gnomAD v4.1: 110 of 1,522,056 alleles (0.0072%); highest among the groups gnomAD compares: East Asian, 0.025%; 1 homozygote.

Submission:

PreventionGenetics, part of Exact Sciences
Classification: Likely benign for PNPLA5-related condition. Last evaluated: 2019-08-20. Review status: no assertion criteria provided. Collection method: clinical testing. Allele origin: germline.
Comment: This variant is classified as likely benign based on ACMG/AMP sequence variant interpretation guidelines (Richards et al. 2015 PMID: 25741868, with internal and published modifications).

NM_138814.4(PNPLA5):c.72C>T (p.His24=)

Gene: PNPLA5 (patatin like domain 5, triacylglycerol lipase; minus strand). Cytogenetic location: 22q13.31.
Variant type: single nucleotide variant.
Coding change: c.72C>T on transcript NM_138814.4 (MANE Select); coding-DNA position 72, C replaced by T.
Protein change: p.His24=; no amino-acid change (histidine 24 retained).
Molecular consequence: synonymous variant. On other transcripts: 5 prime UTR variant (1).
Genome position (GRCh38, 1-based): chr22:43,891,809, G>A on the plus strand (C>T on the coding strand, the complement: PNPLA5 is on the minus strand). VCF-style: chr22-43891809-G-A. GRCh37 (hg19) VCF-style: chr22-44287689-G-A.
Other names: c.72C>T, p.His24= (NM_001177675.2); c.-393C>T (NM_001371410.1).
Identifiers: ClinVar variation 3050256 (VCV003050256.2), dbSNP rs748898005, ClinGen allele CA10277741.
Genomic context (GRCh38, chr22:43,891,809, plus strand): 5'-GCGGCGGGCGCCCTGGAGGAGGCGCGGGGCTCGCTGGCGCAGGCATTCGGTGGCGCCCAC[G>A]TGGTGGGCGCCCAGGTAGCCGGCGCCGGAGAAGGACAGGTTCCATCTGCCCTCCTCCTCT-3'
Protein context (NP_620169.1, residues 14-34): FSGAGYLGAH[His24=]VGATECLRQR